The following is an entry in ClinVar:

NM_015271.5(TRIM2):c.1443del (p.Ala482fs)

Gene: TRIM2 (tripartite motif containing 2; plus strand). Cytogenetic location: 4q31.3.
Variant type: Deletion.
Coding change: c.1443del on transcript NM_015271.5 (MANE Select); coding-DNA position 1443, one base deleted (C; older notation c.1443delC).
Protein change: p.Ala482fs; shifts the reading frame from alanine 482.
Molecular consequence: frameshift variant.
Genome position (GRCh38, 1-based): chr4:153,295,969, C deleted; the last of 3 consecutive C bases (chr4:153,295,967-153,295,969); deleting any one gives the same sequence. VCF-style (leftmost placement, unchanged base first): chr4-153295966-AC-A. GRCh37 (hg19) VCF-style: chr4-154217118-AC-A.
Other names: c.1362del, p.Ala455fs (NM_001130067.2, NM_001351056.2, NM_001375512.1 and 5 more transcripts); c.1416del, p.Ala473fs (NM_001351054.2); c.1413del, p.Ala472fs (NM_001351055.2); c.987del, p.Ala330fs (NM_001351057.2); c.1536del, p.Ala513fs (NM_001375488.1); c.1533del, p.Ala512fs (NM_001375489.1); c.1386del, p.Ala463fs (NM_001375490.1); c.1383del, p.Ala462fs (NM_001375491.1); and 3 more; short protein forms A369fs, A462fs, A463fs, A472fs, A482fs, A513fs, A370fs, A371fs.
Identifiers: ClinVar variation 1441490 (VCV001441490.6), dbSNP rs2150145898, ClinGen allele CA2573138111.
Genomic context (GRCh38, chr4:153,295,966, plus strand): 5'-CGTGAAGAGGCGCGTTAAGTCCCCGGGGAGCGGCCACGTCAAGCAGAAAGCTGTGAAAAG[AC>A]CCGCAAGCATGTACAGCACTGGAAAACGAAAAGAGAATCCCATCGAAGACGATTTGATCT-3'

ClinVar aggregate classification (germline): Uncertain significance (1 of 4 stars; one submission).

Conditions:
Charcot-Marie-Tooth disease type 2R. Also called: CHARCOT-MARIE-TOOTH DISEASE, AXONAL, AUTOSOMAL RECESSIVE, TYPE 2R; Charcot-Marie-Tooth disease, axonal, type 2R; CHARCOT-MARIE-TOOTH NEUROPATHY, TYPE 2R. Identifiers: Orphanet 397968, MedGen C3809655, MONDO:0014208, OMIM 615490.

Submission:

Labcorp Genetics (formerly Invitae), Labcorp
Classification: Uncertain significance for Charcot-Marie-Tooth disease type 2R. Last evaluated: 2021-04-06. Review status: criteria provided, single submitter. Criteria: Invitae Variant Classification Sherloc (09022015). Collection method: clinical testing. Allele origin: germline.
Comment: In summary, the available evidence is currently insufficient to determine the role of this variant in disease. Therefore, it has been classified as a Variant of Uncertain Significance. This variant has not been reported in the literature in individuals with TRIM2-related conditions. This variant is not present in population databases (ExAC no frequency). This sequence change creates a premature translational stop signal (p.Ala455Glnfs*18) in the TRIM2 gene. It is expected to result in an absent or disrupted protein product. However, the current clinical and genetic evidence is not sufficient to establish whether loss-of-function variants in TRIM2 cause disease.